The following is an entry in ClinVar:

ClinVar aggregate classification (germline): Likely benign. Review status: criteria provided, multiple submitters, no conflicts (2 of 4 stars). 4 submissions from 4 submitters: Likely benign (4). Last evaluated 2025-08-13.

Conditions:
Familial cancer of breast. Also called: BREAST CANCER, FAMILIAL; Hereditary breast cancer; hereditary breast carcinoma. Identifiers: Orphanet 227535, MedGen C0346153, MONDO:0016419, OMIM 114480. Disease mechanism: loss of function.

Allele frequency attached by ClinVar (database versions not stated): gnomAD exomes below 0.00001; ExAC 0.00001; TOPMed 0.00002.
gnomAD v4.1: 2 of 1,612,782 alleles (0.00012%); highest among the groups gnomAD compares: African/African-American, 0.0027%; no homozygotes.

Submissions (4):

Labcorp Genetics (formerly Invitae), Labcorp
Classification: Likely benign for Familial cancer of breast. Last evaluated: 2025-08-13. Review status: criteria provided, single submitter. Criteria: Invitae Variant Classification Sherloc (09022015). Collection method: clinical testing. Allele origin: germline.

Women's Health and Genetics/Laboratory Corporation of America, LabCorp
Classification: Likely benign. Last evaluated: 2025-04-24. Review status: criteria provided, single submitter. Criteria: LabCorp Variant Classification Summary - May 2015. Collection method: clinical testing. Allele origin: germline.
Comment: Variant summary: CHEK2 c.319+8C>A alters a nucleotide located at a position not widely known to affect splicing. Consensus agreement among computation tools predict no significant impact on normal splicing. However, these predictions have yet to be confirmed by functional studies. The frequency data for this variant in gnomAD is considered unreliable, as metrics indicate poor data quality at this position. To our knowledge, no occurrence of c.319+8C>A in individuals affected with Hereditary Breast And Ovarian Cancer Syndrome and no experimental evidence demonstrating its impact on protein function have been reported. ClinVar contains an entry for this variant (Variation ID: 391339). Based on the evidence outlined above, the variant was classified as likely benign.

Myriad Genetics, Inc.
Classification: Likely benign for Familial cancer of breast. Last evaluated: 2024-10-02. Review status: criteria provided, single submitter. Criteria: Myriad Autosomal Dominant, Autosomal Recessive and X-Linked Classification Criteria (2023). Collection method: clinical testing. Allele origin: unknown.
Comment: This variant is considered likely benign. This variant is intronic and is not expected to impact mRNA splicing.

GeneDx
Classification: Likely benign. Last evaluated: 2016-11-29. Review status: criteria provided, single submitter. Criteria: GeneDx Variant Classification (06012015). Collection method: clinical testing. Allele origin: germline. Affected: yes.
Comment: This variant is considered likely benign or benign based on one or more of the following criteria: it is a conservative change, it occurs at a poorly conserved position in the protein, it is predicted to be benign by multiple in silico algorithms, and/or has population frequency not consistent with disease.

NM_007194.4(CHEK2):c.319+8C>A

Gene: CHEK2 (checkpoint kinase 2; minus strand). Cytogenetic location: 22q12.1.
Variant type: single nucleotide variant.
Coding change: c.319+8C>A on transcript NM_007194.4 (MANE Select); 8 bases into the intron after coding-DNA position 319, C replaced by A.
Molecular consequence: intron variant.
Genome position (GRCh38, 1-based): chr22:28,734,395, G>T on the plus strand (C>A on the coding strand, the complement: CHEK2 is on the minus strand). VCF-style: chr22-28734395-G-T. GRCh37 (hg19) VCF-style: chr22-29130383-G-T.
Other names: c.-345+7374C>A (NM_001437942.1); c.319+8C>A (NM_001349956.3, NM_145862.3, NM_001438295.1 and 3 more transcripts); c.-459+8C>A (NM_001257387.3).
Identifiers: ClinVar variation 391339 (VCV000391339.18), dbSNP rs776443322, ClinGen allele CA10168044.